The following is an entry in ClinVar:

NM_000153.4(GALC):c.96G>T (p.Leu32=)

Gene: GALC (galactosylceramidase; minus strand). Cytogenetic location: 14q31.3.
Variant type: single nucleotide variant.
Coding change: c.96G>T on transcript NM_000153.4 (MANE Select); coding-DNA position 96, G replaced by T.
Protein change: p.Leu32=; no amino-acid change (leucine 32 retained).
Molecular consequence: synonymous variant. On other transcripts: intron variant (1).
Genome position (GRCh38, 1-based): chr14:87,993,069, C>A on the plus strand (G>T on the coding strand, the complement: GALC is on the minus strand). VCF-style: chr14-87993069-C-A. GRCh37 (hg19) VCF-style: chr14-88459413-C-A.
Other names: p.Leu32=; c.96G>T, p.Leu32= (NM_001201401.2); c.117+314G>T (NM_001201402.2).
Identifiers: ClinVar variation 314760 (VCV000314760.43), dbSNP rs113719127, ClinGen allele CA7297506.

ClinVar aggregate classification (germline): Benign/Likely benign. Review status: criteria provided, multiple submitters, no conflicts (2 of 4 stars). 12 submissions from 12 submitters: Benign (6); Likely benign (4). 2 of the submissions do not count toward it. Last evaluated 2026-09-01.

Conditions:
GALC-related disorder. Also called: GALC-related condition.
Galactosylceramide beta-galactosidase deficiency. Also called: Leukodystrophy, Globoid Cell; GALACTOCEREBROSIDASE DEFICIENCY; GALC DEFICIENCY; GLOBOID CELL LEUKOENCEPHALOPATHY; Krabbe Disease. Identifiers: Orphanet 487, MedGen C0023521, MONDO:0009499, OMIM 245200.

Allele frequency attached by ClinVar (database versions not stated): gnomAD exomes 0.00108; ESP Exome Variant Server 0.00165; ExAC 0.00196; gnomAD 0.00314 and 0.00324; TOPMed 0.00363; 1000 Genomes Project 0.00379; 1000 Genomes Project 30x 0.00437.
gnomAD v4.1: 1,307 of 1,578,106 alleles (0.083%); highest among the groups gnomAD compares: African/African-American, 1.1%; 8 homozygotes.

Submissions (12):

CeGaT Center for Human Genetics Tuebingen
Classification: Likely benign. Last evaluated: 2026-09-01. Review status: criteria provided, single submitter. Criteria: CeGaT Center For Human Genetics Tuebingen Variant Classification Criteria Version 2. Collection method: clinical testing. Allele origin: germline. Affected: yes. Observed: 3 variant alleles.
Comment: GALC: BP4, BP7, BS1

Labcorp Genetics (formerly Invitae), Labcorp
Classification: Benign for Galactosylceramide beta-galactosidase deficiency. Last evaluated: 2026-01-28. Review status: criteria provided, single submitter. Criteria: Invitae Variant Classification Sherloc (09022015). Collection method: clinical testing. Allele origin: germline.

Mayo Clinic Laboratories, Mayo Clinic
Classification: Likely benign. Last evaluated: 2025-07-08. Review status: criteria provided, single submitter. Criteria: ACMG Guidelines, 2015. Collection method: clinical testing. Allele origin: germline. Observed: 7 variant alleles.
Comment: BS1, BP4, BP7

ARUP Laboratories, Molecular Genetics and Genomics, ARUP Laboratories
Classification: Benign for Galactosylceramide beta-galactosidase deficiency. Last evaluated: 2025-04-08. Review status: criteria provided, single submitter. Criteria: ARUP Molecular Germline Variant Investigation Process 2024. Collection method: clinical testing. Allele origin: germline.

Blueprint Genetics
Classification: Likely benign. Last evaluated: 2024-10-16. Review status: criteria provided, single submitter. Criteria: ACMG Guidelines, 2015. Collection method: clinical testing. Allele origin: germline.

Fulgent Genetics
Classification: Likely benign for Galactosylceramide beta-galactosidase deficiency. Last evaluated: 2022-03-28. Review status: criteria provided, single submitter. Criteria: ACMG Guidelines, 2015. Collection method: clinical testing. Allele origin: unknown.

GeneDx
Classification: Benign. Last evaluated: 2020-10-19. Review status: criteria provided, single submitter. Criteria: GeneDx Variant Classification Process June 2021. Collection method: clinical testing. Allele origin: germline. Affected: yes.

Illumina Laboratory Services, Illumina
Classification: Benign for Galactosylceramide beta-galactosidase deficiency. Last evaluated: 2018-01-12. Review status: criteria provided, single submitter. Criteria: ICSL Variant Classification Criteria 13 December 2019. Collection method: clinical testing. Allele origin: germline.
Comment: This variant was observed in the ICSL laboratory as part of a predisposition screen in an ostensibly healthy population. It had not been previously curated by ICSL or reported in the Human Gene Mutation Database (HGMD: prior to June 1st, 2018), and was therefore a candidate for classification through an automated scoring system. Utilizing variant allele frequency, disease prevalence and penetrance estimates, and inheritance mode, an automated score was calculated to assess if this variant is too frequent to cause the disease. Based on the score and internal cut-off values, a variant classified as benign is not then subjected to further curation. The score for this variant resulted in a classification of benign for this disease.

Eurofins Ntd Llc (ga)
Classification: Benign. Last evaluated: 2017-01-31. Review status: criteria provided, single submitter. Criteria: EGL Classification Definitions 2015. Collection method: clinical testing. Allele origin: germline. Observed: 4 variant alleles, 4 heterozygotes.

Breakthrough Genomics
Classification: Benign. Review status: criteria provided, single submitter. Criteria: ACMG Guidelines, 2015. Collection method: not provided. Allele origin: germline. Inheritance: Autosomal recessive inheritance. Affected: yes.

PreventionGenetics, part of Exact Sciences
Classification: Benign for GALC-related condition. Last evaluated: 2019-12-02. Review status: no assertion criteria provided. Collection method: clinical testing. Allele origin: germline. Not counted in ClinVar's aggregate classification.
Comment: This variant is classified as benign based on ACMG/AMP sequence variant interpretation guidelines (Richards et al. 2015 PMID: 25741868, with internal and published modifications).

Natera, Inc.
Classification: Likely benign for Galactosylceramide beta-galactosidase deficiency. Last evaluated: 2019-10-23. Review status: no assertion criteria provided. Collection method: clinical testing. Allele origin: germline. Not counted in ClinVar's aggregate classification.